The following is an entry in ClinVar:

NM_000090.4(COL3A1):c.804C>T (p.Phe268=)

Gene: COL3A1 (collagen type III alpha 1 chain; plus strand). Cytogenetic location: 2q32.2.
Variant type: single nucleotide variant.
Coding change: c.804C>T on transcript NM_000090.4 (MANE Select); coding-DNA position 804, C replaced by T.
Protein change: p.Phe268=; no amino-acid change (phenylalanine 268 retained).
Molecular consequence: synonymous variant.
Genome position (GRCh38, 1-based): chr2:188,991,009, C>T. VCF-style: chr2-188991009-C-T. GRCh37 (hg19) VCF-style: chr2-189855735-C-T.
Identifiers: ClinVar variation 74349 (VCV000074349.9), dbSNP rs267599121, ClinGen allele CA076960.

ClinVar aggregate classification (germline): Likely benign. Review status: criteria provided, multiple submitters, no conflicts (2 of 4 stars). 4 submissions from 4 submitters: Likely benign (4). Last evaluated 2026-02-01.

Conditions:
Ehlers-Danlos syndrome, type 4 (EDSVASC). Also called: Ehlers-Danlos syndrome vascular type; Ehlers Danlos syndrome, ecchymotic type; Ehlers Danlos syndrome, arterial type; Ehlers Danlos syndrome, Sack-Barabas type; Ehlers-Danlos Syndrome Type IV. Identifiers: Orphanet 286, MedGen C0268338, MONDO:0017314, OMIM 130050.
Familial thoracic aortic aneurysm and aortic dissection (TAAD). Also called: Thoracic aortic aneurysms and dissections. Identifiers: Orphanet 91387, MedGen C4707243, MONDO:0019625.

Allele frequency attached by ClinVar (database versions not stated): gnomAD exomes 0.00001 and 0.00004; gnomAD 0.00002 and 0.00003; TOPMed 0.00002; ExAC 0.00005.
gnomAD v4.1: 23 of 1,612,840 alleles (0.0014%); highest among the groups gnomAD compares: East Asian, 0.016%; no homozygotes.

Submissions (4):

Labcorp Genetics (formerly Invitae), Labcorp
Classification: Likely benign for Ehlers-Danlos syndrome, type 4. Last evaluated: 2026-02-01. Review status: criteria provided, single submitter. Criteria: Invitae Variant Classification Sherloc (09022015). Collection method: clinical testing. Allele origin: germline.

Ambry Genetics
Classification: Likely benign for Familial thoracic aortic aneurysm and aortic dissection. Last evaluated: 2024-04-09. Review status: criteria provided, single submitter. Criteria: Ambry Variant Classification Scheme 2023. Collection method: clinical testing. Allele origin: germline.

All of Us Research Program, National Institutes of Health
Classification: Likely benign for Ehlers-Danlos syndrome, type 4. Last evaluated: 2023-11-20. Review status: criteria provided, single submitter. Criteria: ACMG Guidelines, 2015. Collection method: clinical testing. Allele origin: germline. Inheritance: Autosomal dominant inheritance. Observed: 2 variant alleles, 2 heterozygotes.
Comment: This study involves interpretation of variants in research participants for the purpose of population health screening. Participant phenotype was not available at the time of variant classification. Additional details can be found in publication PMID: 35346344, PMCID: PMC8962531

Color Diagnostics, LLC DBA Color Health
Classification: Likely benign for Familial thoracic aortic aneurysm and aortic dissection. Last evaluated: 2019-07-15. Review status: criteria provided, single submitter. Criteria: ACMG Guidelines, 2015. Collection method: clinical testing. Allele origin: germline.